The following is an entry in ClinVar:

ClinVar aggregate classification (germline): Uncertain significance (1 of 4 stars; one submission).

Conditions:
Short-rib thoracic dysplasia 10 with or without polydactyly (SRTD10). Identifiers: Orphanet 474, MedGen C3810175, MONDO:0014284, OMIM 615630.
Retinitis pigmentosa 71 (RP71). Identifiers: Orphanet 791, MedGen C4225342, MONDO:0014618, OMIM 616394.

gnomAD v4.1: 1 of 1,614,126 alleles (0.000062%); no homozygotes.

Submission:

Labcorp Genetics (formerly Invitae), Labcorp
Classification: Uncertain significance for Retinitis pigmentosa 71; Short-rib thoracic dysplasia 10 with or without polydactyly. Last evaluated: 2023-10-22. Review status: criteria provided, single submitter. Criteria: Invitae Variant Classification Sherloc (09022015). Collection method: clinical testing. Allele origin: germline.
Comment: This sequence change replaces arginine, which is basic and polar, with serine, which is neutral and polar, at codon 367 of the IFT172 protein (p.Arg367Ser). This variant is present in population databases (no rsID available, gnomAD 0.004%). This variant has not been reported in the literature in individuals affected with IFT172-related conditions. Advanced modeling of protein sequence and biophysical properties (such as structural, functional, and spatial information, amino acid conservation, physicochemical variation, residue mobility, and thermodynamic stability) performed at Invitae indicates that this missense variant is not expected to disrupt IFT172 protein function. In summary, the available evidence is currently insufficient to determine the role of this variant in disease. Therefore, it has been classified as a Variant of Uncertain Significance.

NM_015662.3(IFT172):c.1099C>A (p.Arg367Ser)

Gene: IFT172 (intraflagellar transport 172; minus strand). Cytogenetic location: 2p23.3.
Variant type: single nucleotide variant.
Coding change: c.1099C>A on transcript NM_015662.3 (MANE Select); coding-DNA position 1099, C replaced by A.
Protein change: p.Arg367Ser; replaces arginine 367 with serine.
Molecular consequence: missense variant.
Genome position (GRCh38, 1-based): chr2:27,478,063, G>T on the plus strand (C>A on the coding strand, the complement: IFT172 is on the minus strand). VCF-style: chr2-27478063-G-T. GRCh37 (hg19) VCF-style: chr2-27700930-G-T.
Other names: c.1099C>A, p.Arg367Ser (NM_001410739.1); short protein forms R367S.
Identifiers: ClinVar variation 2931462 (VCV002931462.3), dbSNP rs755816980, ClinGen allele CA346395146.
Genomic context (GRCh38, chr2:27,478,063, plus strand): 5'-GCCGATTAGTGTTCAGGTCCCCCAGCAGCAGTGTTTCTGATGTGTGAGCCACCAAGTAAC[G>T]TTCCTTTCCTAGGATTTTCACCTCTTCCACCTCATAGCCATAGTGTGACTTGAGCACCAC-3'
Protein context (NP_056477.1, residues 357-377): VEEVKILGKE[Arg367Ser]YLVAHTSETL